The following is an entry in ClinVar:

NM_025099.6(CTC1):c.2521C>T (p.Arg841Cys)

Gene: CTC1 (CST telomere replication complex component 1; minus strand). Cytogenetic location: 17p13.1.
Variant type: single nucleotide variant.
Coding change: c.2521C>T on transcript NM_025099.6 (MANE Select); coding-DNA position 2521, C replaced by T.
Protein change: p.Arg841Cys; replaces arginine 841 with cysteine.
Molecular consequence: missense variant. On other transcripts: non-coding transcript variant (1).
Genome position (GRCh38, 1-based): chr17:8,231,424, G>A on the plus strand (C>T on the coding strand, the complement: CTC1 is on the minus strand). VCF-style: chr17-8231424-G-A. GRCh37 (hg19) VCF-style: chr17-8134742-G-A.
Other names: short protein forms R841C.
Identifiers: ClinVar variation 972081 (VCV000972081.8), dbSNP rs747249710, ClinGen allele CA8372036.

ClinVar aggregate classification (germline): Uncertain significance (1 of 4 stars; one submission).

Conditions:
Dyskeratosis congenita. Identifiers: Orphanet 1775, MedGen C0265965, MONDO:0015780.

Allele frequency attached by ClinVar (database versions not stated): gnomAD exomes below 0.00001; ExAC 0.00001.
gnomAD v4.1: 6 of 1,613,164 alleles (0.00037%); highest among the groups gnomAD compares: Non-Finnish European, 0.00051%; no homozygotes.

Submission:

Labcorp Genetics (formerly Invitae), Labcorp
Classification: Uncertain significance for Dyskeratosis congenita. Last evaluated: 2024-10-07. Review status: criteria provided, single submitter. Criteria: Invitae Variant Classification Sherloc (09022015). Collection method: clinical testing. Allele origin: germline.
Comment: This sequence change replaces arginine, which is basic and polar, with cysteine, which is neutral and slightly polar, at codon 841 of the CTC1 protein (p.Arg841Cys). This variant is present in population databases (rs747249710, gnomAD 0.0009%). This variant has not been reported in the literature in individuals affected with CTC1-related conditions. ClinVar contains an entry for this variant (Variation ID: 972081). Invitae Evidence Modeling of protein sequence and biophysical properties (such as structural, functional, and spatial information, amino acid conservation, physicochemical variation, residue mobility, and thermodynamic stability) indicates that this missense variant is not expected to disrupt CTC1 protein function with a negative predictive value of 80%. In summary, the available evidence is currently insufficient to determine the role of this variant in disease. Therefore, it has been classified as a Variant of Uncertain Significance.